The following is an entry in ClinVar:

NM_017780.4(CHD7):c.5735G>A (p.Arg1912His)

Gene: CHD7 (chromodomain helicase DNA binding protein 7; plus strand). Cytogenetic location: 8q12.2.
Variant type: single nucleotide variant.
Coding change: c.5735G>A on transcript NM_017780.4 (MANE Select); coding-DNA position 5735, G replaced by A.
Protein change: p.Arg1912His; replaces arginine 1912 with histidine.
Molecular consequence: missense variant. On other transcripts: intron variant (1).
Genome position (GRCh38, 1-based): chr8:60,852,088, G>A. VCF-style: chr8-60852088-G-A. GRCh37 (hg19) VCF-style: chr8-61764647-G-A.
Other names: c.1717-10141G>A (NM_001316690.1); c.5735G>A (NM_017780.2, NM_017780.3); short protein forms R1912H.
Identifiers: ClinVar variation 1450784 (VCV001450784.13), dbSNP rs767326758, ClinGen allele CA4760448.

ClinVar aggregate classification (germline): Conflicting classifications of pathogenicity. Review status: criteria provided, conflicting classifications (1 of 4 stars). 4 submissions from 4 submitters: Uncertain significance (3); Likely benign (1). Last evaluated 2026-03-04.

Conditions:
Hypogonadotropic hypogonadism 5 with or without anosmia (KAL5). Also called: HYPOGONADOTROPIC HYPOGONADISM 5 WITH ANOSMIA; HYPOGONADOTROPHIC HYPOGONADISM 5 WITHOUT ANOSMIA; CHD7-Related GnRH Deficiency (Kallmann Syndrome 5). Identifiers: Orphanet 478, MedGen C3552553, MONDO:0012880, OMIM 612370. Disease mechanism: loss of function.
CHARGE syndrome (CHARGE). Also called: Coloboma, heart anomaly, choanal atresia, retardation, genital and ear anomalies; CHARGE association; Hall-Hittner syndrome; Hittner Hirsch Kreh syndrome; CHARGE ASSOCIATION--COLOBOMA, HEART ANOMALY, CHOANAL ATRESIA, RETARDATION, GENITAL AND EAR ANOMALIES. Identifiers: Orphanet 138, MedGen C0265354, MONDO:0008965.
CHD7-related disorder. Also called: CHD7-related condition.

Allele frequency attached by ClinVar (database versions not stated): gnomAD 0.00001; TOPMed 0.00002; ExAC 0.00003; gnomAD exomes 0.00003.
gnomAD v4.1: 15 of 1,613,784 alleles (0.00093%); highest among the groups gnomAD compares: Admixed American, 0.012%; no homozygotes.

Submissions (4):

PreventionGenetics, part of Exact Sciences
Classification: Uncertain significance for CHD7-related condition. Last evaluated: 2026-03-04. Review status: criteria provided, single submitter. Criteria: ACMG Guidelines, 2015. Collection method: clinical testing. Allele origin: germline.
Comment: The CHD7 c.5735G>A variant is predicted to result in the amino acid substitution p.Arg1912His. To our knowledge, this variant has not been reported in the literature. An alternate nucleotide change affecting the same amino acid (c.5734C>G, p.Arg1912Gly) has been previously reported in one individual with Kallmann syndrome (Table S1, Marcos et al. 2014. PubMed ID: 25077900). This variant is reported in 0.020% of alleles in individuals of Latino descent in gnomAD, which may be too high for variant causative in autosomal dominant disorder. Although we suspect that this variant may be benign, at this time, the clinical significance of this variant is uncertain due to the absence of conclusive functional and genetic evidence.

Labcorp Genetics (formerly Invitae), Labcorp
Classification: Likely benign for CHARGE syndrome. Last evaluated: 2025-09-23. Review status: criteria provided, single submitter. Criteria: Invitae Variant Classification Sherloc (09022015). Collection method: clinical testing. Allele origin: germline.

Fulgent Genetics
Classification: Uncertain significance for CHD7-related CHARGE syndrome; Hypogonadotropic hypogonadism 5 with or without anosmia. Last evaluated: 2024-04-23. Review status: criteria provided, single submitter. Criteria: ACMG Guidelines, 2015. Collection method: clinical testing. Allele origin: germline.

GeneDx
Classification: Uncertain significance. Last evaluated: 2023-01-31. Review status: criteria provided, single submitter. Criteria: GeneDx Variant Classification Process June 2021. Collection method: clinical testing. Allele origin: germline. Affected: yes.
Comment: In silico analysis supports that this missense variant has a deleterious effect on protein structure/function; Has not been previously published as pathogenic or benign to our knowledge